The following is an entry in ClinVar:

ClinVar aggregate classification (germline): Benign (1 of 4 stars; one submission).

Submission:

Women's Health and Genetics/Laboratory Corporation of America, LabCorp
Classification: Benign. Last evaluated: 2025-12-24. Review status: criteria provided, single submitter. Criteria: LabCorp Variant Classification Summary - May 2015. Collection method: clinical testing. Allele origin: germline.
Comment: Variant summary: DTNBP1 c.*14C>T is located in the untranslated mRNA region downstream of the termination codon. The variant allele was found at a frequency of 0.00016 in 251492 control chromosomes. The observed variant frequency exceeds the estimated maximal expected allele frequency for disease-causing variants in DTNBP1. To our knowledge, no occurrence of c.*14C>T in individuals affected with DTNBP1-related conditions and no experimental evidence demonstrating its impact on protein function have been reported. No submitters have cited clinical-significance assessments for this variant to ClinVar. Based on the evidence outlined above, the variant was classified as benign.

NM_032122.5(DTNBP1):c.*14C>T

Gene: DTNBP1 (dystrobrevin binding protein 1; minus strand). Cytogenetic location: 6p22.3.
Variant type: single nucleotide variant.
Coding change: c.*14C>T on transcript NM_032122.5 (MANE Select); 14 bases downstream of the stop codon, C replaced by T.
Molecular consequence: 3 prime UTR variant.
Genome position (GRCh38, 1-based): chr6:15,522,961, G>A on the plus strand (C>T on the coding strand, the complement: DTNBP1 is on the minus strand). VCF-style: chr6-15522961-G-A. GRCh37 (hg19) VCF-style: chr6-15523192-G-A.
Other names: c.*14C>T (NM_001271667.2, NM_001271668.2, NM_001271669.2).
Identifiers: ClinVar variation 4688831 (VCV004688831.1).